The following is an entry in ClinVar:

ClinVar aggregate classification (germline): Pathogenic/Likely pathogenic. Review status: criteria provided, multiple submitters, no conflicts (2 of 4 stars). 2 submissions from 2 submitters: Pathogenic (1); Likely pathogenic (1). Last evaluated 2025-12-24.

Conditions:
Cranioectodermal dysplasia 1 (CED1). Also called: LEVIN SYNDROME I. Identifiers: Orphanet 1515, MedGen C0432235, MONDO:0021093, OMIM 218330.

Submissions (2):

Labcorp Genetics (formerly Invitae), Labcorp
Classification: Pathogenic for Cranioectodermal dysplasia 1. Last evaluated: 2025-12-24. Review status: criteria provided, single submitter. Criteria: Invitae Variant Classification Sherloc (09022015). Collection method: clinical testing. Allele origin: germline.
Comment: This sequence change creates a premature translational stop signal (p.Val646Argfs*32) in the IFT122 gene. It is expected to result in an absent or disrupted protein product. Loss-of-function variants in IFT122 are known to be pathogenic (PMID: 20493458, 23826986, 26792575). This variant is present in population databases (rs754223819, gnomAD 0.002%). This variant has not been reported in the literature in individuals affected with IFT122-related conditions. ClinVar contains an entry for this variant (Variation ID: 3588432). For these reasons, this variant has been classified as Pathogenic.

Fulgent Genetics
Classification: Likely pathogenic for Cranioectodermal dysplasia 1. Last evaluated: 2024-03-14. Review status: criteria provided, single submitter. Criteria: ACMG Guidelines, 2015. Collection method: clinical testing. Allele origin: germline.

Literature cited by the submitters: PubMed 20493458 (cited by Labcorp Genetics (formerly Invitae), Labcorp); PubMed 23826986 (cited by Labcorp Genetics (formerly Invitae), Labcorp); PubMed 26792575 (cited by Labcorp Genetics (formerly Invitae), Labcorp).

NM_052989.3(IFT122):c.1783_1784del (p.Val595fs)

Gene: IFT122 (intraflagellar transport 122; plus strand). Cytogenetic location: 3q21.3.
Variant type: Deletion.
Coding change: c.1783_1784del on transcript NM_052989.3 (MANE Select); coding-DNA positions 1783 to 1784, 2 bases deleted (GT; older notation c.1783_1784delGT).
Protein change: p.Val595fs; shifts the reading frame from valine 595.
Molecular consequence: frameshift variant.
Genome position (GRCh38, 1-based): chr3:129,483,614-129,483,615, GT deleted. VCF-style (leftmost placement, unchanged base first): chr3-129483613-GGT-G. GRCh37 (hg19) VCF-style: chr3-129202456-GGT-G.
Other names: c.1450_1451del, p.Val484fs (NM_001410817.1, NM_052990.3, NM_001410815.1); c.1606_1607del, p.Val536fs (NM_018262.4, NM_001410810.1, NM_001410811.1 and 1 more transcripts); c.1936_1937del, p.Val646fs (NM_052985.4); c.1759_1760del, p.Val587fs (NM_001280541.2); c.1333_1334del, p.Val445fs (NM_001280545.2); c.1156_1157del, p.Val386fs (NM_001280546.2); c.1783_1784del, p.Val595fs (NM_001410808.1, NM_001410809.1); short protein forms V445fs, V536fs, V386fs, V587fs, V595fs, V484fs, V646fs.
Identifiers: ClinVar variation 3588432 (VCV003588432.2).
Genomic context (GRCh38, chr3:129,483,613, plus strand): 5'-CTACCTCAACATCAAAGCCAGCACCTTCCCTGTGCACCGGCAGAAGCTGCAGGGCTTTGT[GGT>G]CGGCTACAATGGCTCCAAGATCTTCTGCCTCCATGTCTTCTCCATTTCTGCCGTGGAGGT-3'